The following is an entry in ClinVar:

NM_015340.4(LARS2):c.1565C>A (p.Thr522Asn)

Genes: LARS2 (leucyl-tRNA synthetase 2, mitochondrial; plus strand), LARS2-AS1 (LARS2 antisense RNA 1; minus strand). Cytogenetic location: 3p21.31.
Variant type: single nucleotide variant.
Coding change: c.1565C>A on transcript NM_015340.4 (MANE Select); coding-DNA position 1565, C replaced by A.
Protein change: p.Thr522Asn; replaces threonine 522 with asparagine.
Molecular consequence: missense variant.
Genome position (GRCh38, 1-based): chr3:45,496,316, C>A. VCF-style: chr3-45496316-C-A. GRCh37 (hg19) VCF-style: chr3-45537808-C-A.
Other names: c.1565C>A, p.Thr522Asn (NM_001368263.1); short protein forms T522N.
Identifiers: ClinVar variation 55871 (VCV000055871.62), dbSNP rs199589947, ClinGen allele CA143979.

ClinVar aggregate classification (germline): Pathogenic/Likely pathogenic. Review status: criteria provided, multiple submitters, no conflicts (2 of 4 stars). 21 submissions from 20 submitters: Pathogenic (13); Likely pathogenic (3). 5 of the submissions do not count toward it. Last evaluated 2026-08-11.

Conditions:
LARS2-Related Disorders.
Perrault syndrome 4 (PRLTS4). Identifiers: Orphanet 2855, MedGen C3809105, MONDO:0014126, OMIM 615300.
Hydrops-lactic acidosis-sideroblastic anemia-multisystemic failure syndrome. Also called: Hydrops, lactic acidosis, and sideroblastic anemia. Identifiers: Orphanet 528091, MedGen C4310761, MONDO:0014869, OMIM 617021.
LARS2-related disorder. Also called: LARS2-related condition.
Monogenic hearing loss.
Rare genetic deafness. Identifiers: Orphanet 96210, MedGen C5680250.
Perrault syndrome. Also called: Gonadal dysgenesis with auditory dysfunction, autosomal recessive inheritance. Identifiers: Orphanet 2855, MedGen C0685838, MONDO:0017312.
Inborn genetic diseases. Identifiers: MedGen C0950123, MeSH D030342.

Allele frequency attached by ClinVar (database versions not stated): TOPMed 0.00023; gnomAD 0.00025; ExAC 0.00026; gnomAD exomes 0.00030 and 0.00036; 1000 Genomes Project 30x 0.00031; 1000 Genomes Project 0.00040.

Submissions 1 to 12 of 21:

PreventionGenetics, part of Exact Sciences
Classification: Pathogenic for LARS2-related condition. Last evaluated: 2026-08-11. Review status: criteria provided, single submitter. Criteria: ACMG Guidelines, 2015. Collection method: clinical testing. Allele origin: germline.
Comment: The LARS2 c.1565C>A variant is predicted to result in the amino acid substitution p.Thr522Asn. This variant has been reported in the homozygous or compound heterozygous state in individuals with Perrault syndrome or hydrops, lactic acidosis, sideroblastic anemia, and multisystem failure (Pierce et al. 2013. PubMed ID: 23541342; Riley et al. 2015. PubMed ID: 26537577; Demain et al. 2016. PubMed ID: 26970254). This variant is reported in 0.049% of alleles in individuals of South Asian descent in gnomAD. This variant is interpreted as pathogenic.

North West Genomic Laboratory Hub, Manchester University NHS Foundation Trust
Classification: Pathogenic for Monogenic hearing loss. Last evaluated: 2026-07-22. Review status: criteria provided, single submitter. Criteria: ACGS Best Practice Guidelines for Variant Classification in Rare Disease 2024. Collection method: clinical testing. Allele origin: germline. Affected: yes.
Comment: PM2_Supp PP4_Supp PP1_Str PS3_Supp PP3_Supp PM3_Mod

Dasa
Classification: Pathogenic. Last evaluated: 2026-01-20. Review status: criteria provided, single submitter. Criteria: DASA Assertion Criteria. Collection method: clinical testing. Allele origin: germline.
Comment: NM_015340.4(LARS2):c.1565C>A (p.Thr522Asn) is a missense variant that results in the substitution of threonine with asparagine. Functional evidence supports a deleterious effect on the gene or gene product. Multiple computational predictions support a deleterious effect on the gene or gene product. The variant is present at low frequency in population datasets. Based on the available data, this variant is classified as pathogenic.

Genetics Laboratory, Great Ormond Street Hospital NHS Foundation Trust, North Thames Genomic Laboratory Hub
Classification: Likely pathogenic for Monogenic hearing loss. Last evaluated: 2026-01-16. Review status: criteria provided, single submitter. Criteria: ACGS Best Practice Guidelines for Variant Classification in Rare Disease 2024 v1.2. Collection method: clinical testing. Allele origin: germline. Affected: yes.
Comment: PP3_supporting, PS3_moderate, PP1_strong

Labcorp Genetics (formerly Invitae), Labcorp
Classification: Pathogenic. Last evaluated: 2025-12-15. Review status: criteria provided, single submitter. Criteria: Invitae Variant Classification Sherloc (09022015). Collection method: clinical testing. Allele origin: germline.
Comment: This sequence change replaces threonine, which is neutral and polar, with asparagine, which is neutral and polar, at codon 522 of the LARS2 protein (p.Thr522Asn). This variant is present in population databases (rs199589947, gnomAD 0.05%). This missense change has been observed in individuals with Perrault syndrome (PMID: 23541342, 26970254, 28832386). It has also been observed to segregate with disease in related individuals. ClinVar contains an entry for this variant (Variation ID: 55871). Invitae Evidence Modeling of protein sequence and biophysical properties (such as structural, functional, and spatial information, amino acid conservation, physicochemical variation, residue mobility, and thermodynamic stability) has been performed for this missense variant. However, the output from this modeling did not meet the statistical confidence thresholds required to predict the impact of this variant on LARS2 protein function. Experimental studies have shown that this missense change affects LARS2 function (PMID: 23541342). For these reasons, this variant has been classified as Pathogenic.

GeneDx
Classification: Pathogenic. Last evaluated: 2025-10-21. Review status: criteria provided, single submitter. Criteria: GeneDx Variant Classification Process June 2021. Collection method: clinical testing. Allele origin: germline. Affected: yes.
Comment: Published functional studies demonstrate a damaging effect, with a 9 fold reduction in aminoacylation efficiency and complementation studies that found T522N results in partial rescue of LARS2 deficient yeast cells (PMID: 26537577, 23541342); In silico analysis supports that this missense variant has a deleterious effect on protein structure/function; This variant is associated with the following publications: (PMID: 28284481, 34440452, 32767731, 23541342, 24639874, 25506236, 26970254, 25254289, 28832386, 34426522, 31589614, 38186093, 34493867, 34997062, 34406847, 36450801, 35750896, 36693951, 26537577, 32423379, 29205794, 39052101)

Ambry Genetics
Classification: Pathogenic for Inborn genetic diseases. Last evaluated: 2025-05-13. Review status: criteria provided, single submitter. Criteria: Ambry Variant Classification Scheme 2023. Collection method: clinical testing. Allele origin: germline.
Comment: The c.1565C>A (p.T522N) alteration is located in exon 14 (coding exon 12) of the LARS2 gene. This alteration results from a C to A substitution at nucleotide position 1565, causing the threonine (T) at amino acid position 522 to be replaced by an asparagine (N). Based on data from gnomAD, the A allele has an overall frequency of 0.028% (80/282894) total alleles studied. The highest observed frequency was 0.049% (15/30616) of South Asian alleles. This variant has been identified in the homozygous state and/or in conjunction with other variant(s) in this same gene in individual(s) with features consistent with LARS2-related disease and segregated with disease in at least one family (Demain, 2017; Zerkaoui, 2017; Riley, 2015; Pierce, 2013). This amino acid position is highly conserved in available vertebrate species. In multiple assays testing LARS2 function, this variant showed functionally abnormal results (Pierce, 2013; Riley, 2015). The in silico prediction for this alteration is inconclusive. Based on the available evidence, this alteration is classified as pathogenic.

Blueprint Genetics
Classification: Pathogenic for LARS2-related disorders. Last evaluated: 2024-10-09. Review status: criteria provided, single submitter. Criteria: ACMG Guidelines, 2015. Collection method: clinical testing. Allele origin: germline. Affected: yes. Observed: 5 variant alleles.

Women's Health and Genetics/Laboratory Corporation of America, LabCorp
Classification: Pathogenic for LARS2-Related Disorders. Last evaluated: 2024-05-02. Review status: criteria provided, single submitter. Criteria: LabCorp Variant Classification Summary - May 2015. Collection method: clinical testing. Allele origin: germline.
Comment: Variant summary: LARS2 c.1565C>A (p.Thr522Asn) results in a non-conservative amino acid change located in the Aminoacyl-tRNA synthetase, class Ia (IPR002300) of the encoded protein sequence. Five of five in-silico tools predict a damaging effect of the variant on protein function. The variant allele was found at a frequency of 0.0003 in 251490 control chromosomes. c.1565C>A has been reported in the literature in multiple individuals affected with LARS2-Related Disorders (Pierce_2013, Riley_2016, Demain_2017). These data indicate that the variant is very likely to be associated with disease. To our knowledge, no experimental evidence demonstrating an impact on protein function has been reported. The following publications have been ascertained in the context of this evaluation (PMID: 26970254, 23541342, 26537577). ClinVar contains an entry for this variant (Variation ID: 55871). Based on the evidence outlined above, the variant was classified as pathogenic.

Department of Pathology and Laboratory Medicine, Sinai Health System
Classification: Pathogenic for Perrault syndrome 4; Hydrops-lactic acidosis-sideroblastic anemia-multisystemic failure syndrome. Last evaluated: 2023-09-27. Review status: criteria provided, single submitter. Criteria: ACMG Guidelines, 2015. Collection method: research. Allele origin: germline.

Genetic Services Laboratory, University of Chicago
Classification: Likely pathogenic. Last evaluated: 2020-11-30. Review status: criteria provided, single submitter. Criteria: ACMG Guidelines, 2015. Collection method: clinical testing. Allele origin: germline. Affected: yes.

Victorian Clinical Genetics Services, Murdoch Childrens Research Institute
Classification: Pathogenic for Perrault syndrome 4. Last evaluated: 2020-05-21. Review status: criteria provided, single submitter. Criteria: ACMG Guidelines, 2015. Collection method: clinical testing. Allele origin: germline. Inheritance: Autosomal recessive inheritance.
Comment: A homozygous missense variant was identified, NM_015340.3(LARS2):c.1565C>A in exon 14 of 22 of the LARS2 gene. This substitution is predicted to create a minor amino acid change from a threonine to an asparagine at position 522 of the protein; NP_056155.1(LARS2):p.(Thr522Asn). The threonine at this position has very high conservation (100 vertebrates, UCSC), and is located within the catalytic domain (Demain, L. et al. (2017)). In silico software predicts this variant to be damaging (Polyphen, SIFT, CADD, Mutation Taster). The variant is present in the gnomAD population database at a frequency of 0.03% (80 heterozygotes, 0 homozygotes). The variant has been previously described as pathogenic and segregated with disease in two families with Perrault syndrome (ClinVar, Pierce, S. et al. (2013), Demain, L. et al. (2017)). In addition, functional studies show that this variant is associated with a loss of efficiency of the protein (Riley, L. et al. (2016)). Based on information available at the time of curation, this variant has been classified as PATHOGENIC.